The following is an entry in ClinVar:

NM_006494.4(ERF):c.347A>G (p.Tyr116Cys)

Gene: ERF (ETS2 repressor factor; minus strand). Cytogenetic location: 19q13.2.
Variant type: single nucleotide variant.
Coding change: c.347A>G on transcript NM_006494.4 (MANE Select); coding-DNA position 347, A replaced by G.
Protein change: p.Tyr116Cys; replaces tyrosine 116 with cysteine.
Molecular consequence: missense variant. On other transcripts: 5 prime UTR variant (1).
Genome position (GRCh38, 1-based): chr19:42,249,853, T>C on the plus strand (A>G on the coding strand, the complement: ERF is on the minus strand). VCF-style: chr19-42249853-T-C. GRCh37 (hg19) VCF-style: chr19-42754005-T-C.
Other names: c.122A>G, p.Tyr41Cys (NM_001301035.2, NM_001308402.2, NM_001312656.2 and 1 more transcripts); c.-461A>G (NM_001440421.1); short protein forms Y116C, Y41C.
Identifiers: ClinVar variation 4755416 (VCV004755416.1).

ClinVar aggregate classification (germline): Likely benign (1 of 4 stars; one submission).

Conditions:
Craniosynostosis 4 (CRS4). Identifiers: MedGen C3806917, MONDO:0010929, OMIM 600775.

Submission:

Centre for Medical Genetics,  Mumbai
Classification: Likely benign for Craniosynostosis 4. Last evaluated: 2026-02-05. Review status: criteria provided, single submitter. Criteria: ACMG Guidelines, 2015. Collection method: provider interpretation. Allele origin: germline. Inheritance: Autosomal dominant inheritance. Affected: no. Observed: 1 heterozygote.
Comment: The variant satisfies PM2 criteria; Extremely low frequency in gnomAD population databases. However, the variant satisfies BS2 criteria.

Literature cited by the submitters: PubMed 23354439.